The following is an entry in ClinVar:

ClinVar aggregate classification (germline): Uncertain significance (1 of 4 stars; one submission).

Submission:

GeneDx
Classification: Uncertain significance. Last evaluated: 2026-01-26. Review status: criteria provided, single submitter. Criteria: GeneDx Variant Classification Process June 2021. Collection method: clinical testing. Allele origin: germline.
Comment: Not observed at significant frequency in large population cohorts (gnomAD); In silico analysis supports that this missense variant has a deleterious effect on protein structure/function; Has not been previously published as pathogenic or benign to our knowledge

NM_016628.5(WAC):c.428G>C (p.Gly143Ala)

Gene: WAC (WW domain containing adaptor with coiled-coil; plus strand). Cytogenetic location: 10p12.1.
Variant type: single nucleotide variant.
Coding change: c.428G>C on transcript NM_016628.5 (MANE Select); coding-DNA position 428, G replaced by C.
Protein change: p.Gly143Ala; replaces glycine 143 with alanine.
Molecular consequence: missense variant.
Genome position (GRCh38, 1-based): chr10:28,589,782, G>C. VCF-style: chr10-28589782-G-C. GRCh37 (hg19) VCF-style: chr10-28878711-G-C.
Other names: c.293G>C, p.Gly98Ala (NM_100264.3); c.428G>C, p.Gly143Ala (NM_100486.4); short protein forms G143A, G98A.
Identifiers: ClinVar variation 4975710 (VCV004975710.1).